The following is an entry in ClinVar:

NM_001737.5(C9):c.668C>T (p.Ala223Val)

Gene: C9 (complement C9; minus strand). Cytogenetic location: 5p13.1.
Variant type: single nucleotide variant.
Coding change: c.668C>T on transcript NM_001737.5 (MANE Select); coding-DNA position 668, C replaced by T.
Protein change: p.Ala223Val; replaces alanine 223 with valine.
Molecular consequence: missense variant.
Genome position (GRCh38, 1-based): chr5:39,315,977, G>A on the plus strand (C>T on the coding strand, the complement: C9 is on the minus strand). VCF-style: chr5-39315977-G-A. GRCh37 (hg19) VCF-style: chr5-39316079-G-A.
Other names: short protein forms A223V.
Identifiers: ClinVar variation 1921489 (VCV001921489.5), dbSNP rs756049525, ClinGen allele CA359559289.
Genomic context (GRCh38, chr5:39,315,977, plus strand): 5'-AATTTTAGAGATATAGCTGCATTAAAATTTGATGTCTTCTCTTGGATGATACTTTTAAAT[G>A]CTTCAATTTGTTCTTCGTAATGTTCGGTTCTGAAATTTTTCTCGCCTTTGGTCTAAAAGA-3'
Protein context (NP_001728.1, residues 213-233): RTEHYEEQIE[Ala223Val]FKSIIQEKTS

ClinVar aggregate classification (germline): Uncertain significance (1 of 4 stars; one submission).

Submission:

Labcorp Genetics (formerly Invitae), Labcorp
Classification: Uncertain significance. Last evaluated: 2022-05-27. Review status: criteria provided, single submitter. Criteria: Invitae Variant Classification Sherloc (09022015). Collection method: clinical testing. Allele origin: germline.
Comment: This variant has not been reported in the literature in individuals affected with C9-related conditions. This variant is not present in population databases (gnomAD no frequency). This sequence change replaces alanine, which is neutral and non-polar, with valine, which is neutral and non-polar, at codon 223 of the C9 protein (p.Ala223Val). Algorithms developed to predict the effect of missense changes on protein structure and function output the following: SIFT: "Not Available"; PolyPhen-2: "Benign"; Align-GVGD: "Not Available". The valine amino acid residue is found in multiple mammalian species, which suggests that this missense change does not adversely affect protein function. In summary, the available evidence is currently insufficient to determine the role of this variant in disease. Therefore, it has been classified as a Variant of Uncertain Significance.